The following is an entry in ClinVar:

ClinVar aggregate classification (germline): Likely benign. Review status: criteria provided, multiple submitters, no conflicts (2 of 4 stars). 2 submissions from 2 submitters: Likely benign (2). Last evaluated 2025-11-01.

gnomAD v4.1: 1 of 1,527,606 alleles (0.000065%); highest among the groups gnomAD compares: South Asian, 0.0012%; no homozygotes.

Submissions (2):

CeGaT Center for Human Genetics Tuebingen
Classification: Likely benign. Last evaluated: 2025-11-01. Review status: criteria provided, single submitter. Criteria: CeGaT Center For Human Genetics Tuebingen Variant Classification Criteria Version 2. Collection method: clinical testing. Allele origin: germline. Affected: yes. Observed: 1 variant allele.
Comment: ARID1B: BP4, BP7

Labcorp Genetics (formerly Invitae), Labcorp
Classification: Likely benign. Last evaluated: 2025-06-03. Review status: criteria provided, single submitter. Criteria: Invitae Variant Classification Sherloc (09022015). Collection method: clinical testing. Allele origin: germline.

NM_001374828.1(ARID1B):c.738G>A (p.Lys246=)

Genes: ARID1B (AT-rich interaction domain 1B; plus strand), LOC115308161 (uncharacterized LOC115308161; minus strand), LOC129997525 (ATAC-STARR-seq lymphoblastoid silent region 17712; plus strand). Cytogenetic location: 6q25.3.
Variant type: single nucleotide variant.
Coding change: c.738G>A on transcript NM_001374828.1 (MANE Select); coding-DNA position 738, G replaced by A.
Protein change: p.Lys246=; no amino-acid change (lysine 246 retained).
Molecular consequence: synonymous variant. On other transcripts: non-coding transcript variant (1).
Genome position (GRCh38, 1-based): chr6:156,778,418, G>A. VCF-style: chr6-156778418-G-A. GRCh37 (hg19) VCF-style: chr6-157099552-G-A.
Other names: c.738G>A, p.Lys246= (NM_001438482.1, NM_001438483.1, NM_001438485.1 and 9 more transcripts).
Identifiers: ClinVar variation 4681394 (VCV004681394.6).
Genomic context (GRCh38, chr6:156,778,418, plus strand): 5'-GGGCGGCGGCGCGCCTCAGCCCGGCCCCGACATGGAGCAGCCGCAACATGGAGGCGCCAA[G>A]GACAGTGCTGCGGGCGGCCAGGCCGACCCCCCGGGCCCGCCGCTGCTGAGCAAGCCGGGC-3'
Protein context (NP_001361757.1, residues 236-256): DMEQPQHGGA[Lys246=]DSAAGGQADP